The following is an entry in ClinVar:

NM_004333.6(BRAF):c.1140+3107C>T

Gene: BRAF (B-Raf proto-oncogene, serine/threonine kinase; minus strand). Cytogenetic location: 7q34.
Variant type: single nucleotide variant.
Coding change: c.1140+3107C>T on transcript NM_004333.6 (MANE Select); 3107 bases into the intron after coding-DNA position 1140, C replaced by T.
Molecular consequence: intron variant.
Genome position (GRCh38, 1-based): chr7:140,791,201, G>A on the plus strand (C>T on the coding strand, the complement: BRAF is on the minus strand). VCF-style: chr7-140791201-G-A. GRCh37 (hg19) VCF-style: chr7-140491001-G-A.
Other names: c.1140+3107C>T (NM_001378474.1, NM_001378471.1, NM_001378468.1 and 4 more transcripts); c.1038+3107C>T (NM_001378470.1); c.876+3107C>T (NM_001378475.1); c.1149+3107C>T (NM_001378467.1); c.984+3107C>T (NM_001378472.1, NM_001378473.1).
Identifiers: ClinVar variation 2658058 (VCV002658058.24), dbSNP rs572347662, ClinGen allele CA168098063.
Genomic context (GRCh38, chr7:140,791,201, plus strand): 5'-AAAAAATTGTCCCTCAACCCTGAATCAAGCTATCCTCTTTTGTCATTCCTTCACAGCCAA[G>A]CTTCTCAAAATTAACACTTAATCCTACTTCCTCACCTGCTGCCTTCTCCTCTTACTGGCC-3'

ClinVar aggregate classification (germline): Benign (1 of 4 stars; one submission).

Allele frequency attached by ClinVar (database versions not stated): TOPMed 0.00003; gnomAD 0.00010; 1000 Genomes Project 0.00080; 1000 Genomes Project 30x 0.00094.
gnomAD v4.1: 15 of 152,232 alleles (0.0099%); highest among the groups gnomAD compares: South Asian, 0.25%; 1 homozygote.

Submission:

CeGaT Center for Human Genetics Tuebingen
Classification: Benign. Last evaluated: 2022-03-01. Review status: criteria provided, single submitter. Criteria: CeGaT Center For Human Genetics Tuebingen Variant Classification Criteria Version 2. Collection method: clinical testing. Allele origin: germline. Affected: yes. Observed: 1 variant allele.
Comment: BRAF: BS1, BS2